The following is an entry in ClinVar:

NM_000069.3(CACNA1S):c.1877C>G (p.Ala626Gly)

Gene: CACNA1S (calcium voltage-gated channel subunit alpha1 S; minus strand). Cytogenetic location: 1q32.1.
Variant type: single nucleotide variant.
Coding change: c.1877C>G on transcript NM_000069.3 (MANE Select); coding-DNA position 1877, C replaced by G.
Protein change: p.Ala626Gly; replaces alanine 626 with glycine.
Molecular consequence: missense variant.
Genome position (GRCh38, 1-based): chr1:201,075,566, G>C on the plus strand (C>G on the coding strand, the complement: CACNA1S is on the minus strand). VCF-style: chr1-201075566-G-C. GRCh37 (hg19) VCF-style: chr1-201044694-G-C.
Other names: short protein forms A626G.
Identifiers: ClinVar variation 4757159 (VCV004757159.1).

ClinVar aggregate classification (germline): Uncertain significance (1 of 4 stars; one submission).

Conditions:
Malignant hyperthermia, susceptibility to, 5 (MHS5). Also called: CACNA1S-Related Malignant Hyperthermia Susceptibility. Identifiers: Orphanet 423, MedGen C1866077, MONDO:0011163, OMIM 601887.

gnomAD v4.1: 1 of 1,614,140 alleles (0.000062%); highest among the groups gnomAD compares: Non-Finnish European, 0.000085%; no homozygotes.

Submission:

Color Diagnostics, LLC DBA Color Health
Classification: Uncertain significance for Malignant hyperthermia, susceptibility to, 5. Last evaluated: 2025-06-09. Review status: criteria provided, single submitter. Criteria: ACMG Guidelines, 2015. Collection method: clinical testing. Allele origin: germline.
Comment: This missense variant replaces alanine with glycine at codon 626 of the CACNA1S protein. Computational prediction suggests that this variant may have deleterious impact on protein structure and function. To our knowledge, functional studies have not been reported for this variant. This variant has not been reported in individuals affected with CACNA1S-related disorders in the literature. This variant has been identified in 1/251490 chromosomes in the general population by the Genome Aggregation Database (gnomAD). The available evidence is insufficient to determine the role of this variant in disease conclusively. Therefore, this variant is classified as a Variant of Uncertain Significance.